The following is an entry in ClinVar:

ClinVar aggregate classification (germline): Uncertain significance. Review status: criteria provided, multiple submitters, no conflicts (2 of 4 stars). 2 submissions from 2 submitters: Uncertain significance (2). Last evaluated 2024-08-19.

Conditions:
Charcot-Marie-Tooth disease axonal type 2O. Also called: CHARCOT-MARIE-TOOTH NEUROPATHY, AXONAL, TYPE 2O; CHARCOT-MARIE-TOOTH DISEASE, AXONAL, AUTOSOMAL DOMINANT, TYPE 2O; Charcot-Marie-Tooth Neuropathy Type 2O; Charcot-Marie-Tooth disease, axonal, type 20. Identifiers: Orphanet 284232, MedGen C3280220, MONDO:0013644, OMIM 614228.

Allele frequency attached by ClinVar (database versions not stated): TOPMed below 0.00001.

Submissions (2):

Labcorp Genetics (formerly Invitae), Labcorp
Classification: Uncertain significance for Charcot-Marie-Tooth disease axonal type 2O. Last evaluated: 2024-08-19. Review status: criteria provided, single submitter. Criteria: Invitae Variant Classification Sherloc (09022015). Collection method: clinical testing. Allele origin: germline.
Comment: This sequence change replaces isoleucine, which is neutral and non-polar, with methionine, which is neutral and non-polar, at codon 4169 of the DYNC1H1 protein (p.Ile4169Met). This variant is not present in population databases (gnomAD no frequency). This variant has not been reported in the literature in individuals affected with DYNC1H1-related conditions. ClinVar contains an entry for this variant (Variation ID: 1970545). Invitae Evidence Modeling of protein sequence and biophysical properties (such as structural, functional, and spatial information, amino acid conservation, physicochemical variation, residue mobility, and thermodynamic stability) indicates that this missense variant is not expected to disrupt DYNC1H1 protein function with a negative predictive value of 95%. In summary, the available evidence is currently insufficient to determine the role of this variant in disease. Therefore, it has been classified as a Variant of Uncertain Significance.

GeneDx
Classification: Uncertain significance. Last evaluated: 2022-11-28. Review status: criteria provided, single submitter. Criteria: GeneDx Variant Classification Process June 2021. Collection method: clinical testing. Allele origin: germline. Affected: yes.
Comment: Not observed at significant frequency in large population cohorts (gnomAD); In silico analysis supports that this missense variant does not alter protein structure/function; Has not been previously published as pathogenic or benign to our knowledge; This variant is associated with the following publications: (PMID: 26100331, 25609763, 25512093)

NM_001376.5(DYNC1H1):c.12507A>G (p.Ile4169Met)

Gene: DYNC1H1 (dynein cytoplasmic 1 heavy chain 1; plus strand). Cytogenetic location: 14q32.31.
Variant type: single nucleotide variant.
Coding change: c.12507A>G on transcript NM_001376.5 (MANE Select); coding-DNA position 12507, A replaced by G.
Protein change: p.Ile4169Met; replaces isoleucine 4169 with methionine.
Molecular consequence: missense variant.
Genome position (GRCh38, 1-based): chr14:102,042,742, A>G. VCF-style: chr14-102042742-A-G. GRCh37 (hg19) VCF-style: chr14-102509079-A-G.
Other names: short protein forms I4169M.
Identifiers: ClinVar variation 1970545 (VCV001970545.5), dbSNP rs1333461250, ClinGen allele CA391041749.
Genomic context (GRCh38, chr14:102,042,742, plus strand): 5'-ACCGCCAGGGGTGAAGGCCAACATGCTGAGGACGTTCAGCAGCATTCCCGTCTCACGGAT[A>G]TGCAAGGTAAGTACCTTGTCCTCCTGGTATGCTTTCCCCATAGAAGCTAAAGCCCAGTCC-3'
Protein context (NP_001367.2, residues 4159-4179): RTFSSIPVSR[Ile4169Met]CKSPNERARL